The following is an entry in ClinVar:

ClinVar aggregate classification (germline): Uncertain significance. Review status: criteria provided, multiple submitters, no conflicts (2 of 4 stars). 4 submissions from 4 submitters: Uncertain significance (4). Last evaluated 2024-10-23.

Conditions:
Fanconi anemia (FA). Also called: Fanconi's anemia. Identifiers: Orphanet 84, MedGen C0015625, MeSH D005199, MONDO:0019391.

Submissions (4):

Quest Diagnostics Nichols Institute San Juan Capistrano
Classification: Uncertain significance. Last evaluated: 2024-10-23. Review status: criteria provided, single submitter. Criteria: Quest Diagnostics criteria. Collection method: clinical testing. Allele origin: unknown.
Comment: The FANCM c.179C>T (p.Ala60Val) variant has been reported in the published literature in both individuals with breast cancer and reportedly healthy individuals in breast cancer association studies (PMIDs: 36707629 (2023), 33471991 (2021) see also LOVD). The frequency of this variant in the general population, 0.000013 (2/152118 chromosomes (Genome Aggregation Database)), is uninformative in the assessment of its pathogenicity. Analysis of this variant using bioinformatics tools for the prediction of the effect of amino acid changes on protein structure and function yielded conflicting predictions that this variant is benign or damaging. Based on the available information, we are unable to determine the clinical significance of this variant.

Labcorp Genetics (formerly Invitae), Labcorp
Classification: Uncertain significance for Fanconi anemia. Last evaluated: 2023-09-09. Review status: criteria provided, single submitter. Criteria: Invitae Variant Classification Sherloc (09022015). Collection method: clinical testing. Allele origin: germline.
Comment: This sequence change replaces alanine, which is neutral and non-polar, with valine, which is neutral and non-polar, at codon 60 of the FANCM protein (p.Ala60Val). This variant is present in population databases (rs200717151, gnomAD 0.0009%). This variant has not been reported in the literature in individuals affected with FANCM-related conditions. ClinVar contains an entry for this variant (Variation ID: 841743). An algorithm developed to predict the effect of missense changes on protein structure and function (PolyPhen-2) suggests that this variant is likely to be disruptive. In summary, the available evidence is currently insufficient to determine the role of this variant in disease. Therefore, it has been classified as a Variant of Uncertain Significance.

GeneDx
Classification: Uncertain significance. Last evaluated: 2023-08-22. Review status: criteria provided, single submitter. Criteria: GeneDx Variant Classification Process June 2021. Collection method: clinical testing. Allele origin: germline. Affected: yes.
Comment: Not observed at significant frequency in large population cohorts (gnomAD); In silico analysis supports that this missense variant has a deleterious effect on protein structure/function; Has not been previously published as pathogenic or benign to our knowledge

Institute for Clinical Genetics, University Hospital TU Dresden, University Hospital TU Dresden
Classification: Uncertain significance. Last evaluated: 2021-11-03. Review status: criteria provided, single submitter. Criteria: ACMG Guidelines, 2015. Collection method: clinical testing. Allele origin: germline.

Literature cited by the submitters: PubMed 33471991 (cited by Quest Diagnostics Nichols Institute San Juan Capistrano); PubMed 36707629 (cited by Quest Diagnostics Nichols Institute San Juan Capistrano).

NM_020937.4(FANCM):c.179C>T (p.Ala60Val)

Gene: FANCM (FA complementation group M; plus strand). Cytogenetic location: 14q21.2.
Variant type: single nucleotide variant.
Coding change: c.179C>T on transcript NM_020937.4 (MANE Select); coding-DNA position 179, C replaced by T.
Protein change: p.Ala60Val; replaces alanine 60 with valine.
Molecular consequence: missense variant.
Genome position (GRCh38, 1-based): chr14:45,136,210, C>T. VCF-style: chr14-45136210-C-T. GRCh37 (hg19) VCF-style: chr14-45605413-C-T.
Other names: c.179C>T, p.Ala60Val (NM_001308133.2, NM_001308134.2); c.179C>T (NM_020937.3); short protein forms A60V.
Identifiers: ClinVar variation 841743 (VCV000841743.13), dbSNP rs200717151, ClinGen allele CA259602313.
Genomic context (GRCh38, chr14:45,136,210, plus strand): 5'-CGCCTTTGCCAGCAGCAGCGGAGGCTCAGCTGGAGTCGGACGATGATGTGTTGCTTGTCG[C>T]GGCGTACGAGGCTGAGCGGCAGTTGTGTCTAGAGAATGGCGGGTTCTGCACCTCCGCGGG-3'
Protein context (NP_065988.1, residues 50-70): LESDDDVLLV[Ala60Val]AYEAERQLCL